The following is an entry in ClinVar:

ClinVar aggregate classification (germline): Uncertain significance (1 of 4 stars; one submission).

Conditions:
Developmental and epileptic encephalopathy. Identifiers: MedGen C5779964, MONDO:0100620.

Submission:

Labcorp Genetics (formerly Invitae), Labcorp
Classification: Uncertain significance for Early-infantile DEE. Last evaluated: 2017-09-14. Review status: criteria provided, single submitter. Criteria: Invitae Variant Classification Sherloc (09022015). Collection method: clinical testing. Allele origin: germline.
Comment: This sequence change creates a premature translational stop signal (p.Gln197*) in the KCNH5 gene. It is expected to result in an absent or disrupted protein product. This variant is not present in population databases (ExAC no frequency). This variant has not been reported in the literature in individuals with KCNH5-related disease. The current clinical and genetic evidence is not sufficient to establish whether loss-of-function variants in KCNH5 cause disease. In summary, the available evidence is currently insufficient to determine the role of this variant in disease. Therefore, it has been classified as a Variant of Uncertain Significance.

NM_139318.5(KCNH5):c.589C>T (p.Gln197Ter)

Gene: KCNH5 (potassium voltage-gated channel subfamily H member 5; minus strand). Cytogenetic location: 14q23.2.
Variant type: single nucleotide variant.
Coding change: c.589C>T on transcript NM_139318.5 (MANE Select); coding-DNA position 589, C replaced by T.
Protein change: p.Gln197Ter; replaces glutamine 197 with a stop codon.
Molecular consequence: nonsense.
Genome position (GRCh38, 1-based): chr14:62,981,225, G>A on the plus strand (C>T on the coding strand, the complement: KCNH5 is on the minus strand). VCF-style: chr14-62981225-G-A. GRCh37 (hg19) VCF-style: chr14-63447943-G-A.
Other names: c.589C>T, p.Gln197Ter (NM_172375.3); short protein forms Q197*.
Identifiers: ClinVar variation 530491 (VCV000530491.2), dbSNP rs1555366656, ClinGen allele CA390104582.